The following is an entry in ClinVar:

ClinVar aggregate classification (germline): Uncertain significance (1 of 4 stars; one submission).

Submission:

Labcorp Genetics (formerly Invitae), Labcorp
Classification: Uncertain significance. Last evaluated: 2024-10-02. Review status: criteria provided, single submitter. Criteria: Invitae Variant Classification Sherloc (09022015). Collection method: clinical testing. Allele origin: germline.
Comment: This sequence change replaces proline, which is neutral and non-polar, with alanine, which is neutral and non-polar, at codon 2138 of the KMT2B protein (p.Pro2138Ala). This variant is not present in population databases (gnomAD no frequency). This variant has not been reported in the literature in individuals affected with KMT2B-related conditions. Invitae Evidence Modeling of protein sequence and biophysical properties (such as structural, functional, and spatial information, amino acid conservation, physicochemical variation, residue mobility, and thermodynamic stability) indicates that this missense variant is not expected to disrupt KMT2B protein function with a negative predictive value of 95%. In summary, the available evidence is currently insufficient to determine the role of this variant in disease. Therefore, it has been classified as a Variant of Uncertain Significance.

NM_014727.3(KMT2B):c.6412C>G (p.Pro2138Ala)

Gene: KMT2B (lysine methyltransferase 2B; plus strand). Cytogenetic location: 19q13.12.
Variant type: single nucleotide variant.
Coding change: c.6412C>G on transcript NM_014727.3 (MANE Select); coding-DNA position 6412, C replaced by G.
Protein change: p.Pro2138Ala; replaces proline 2138 with alanine.
Molecular consequence: missense variant.
Genome position (GRCh38, 1-based): chr19:35,732,961, C>G. VCF-style: chr19-35732961-C-G. GRCh37 (hg19) VCF-style: chr19-36223862-C-G.
Other names: short protein forms P2138A.
Identifiers: ClinVar variation 3719688 (VCV003719688.2).